The following is an entry in ClinVar:

ClinVar aggregate classification (germline): Uncertain significance (1 of 4 stars; one submission).

Submission:

Women's Health and Genetics/Laboratory Corporation of America, LabCorp
Classification: Uncertain significance. Last evaluated: 2024-09-23. Review status: criteria provided, single submitter. Criteria: LabCorp Variant Classification Summary - May 2015. Collection method: clinical testing. Allele origin: germline.
Comment: Variant summary: PAX8 c.1246G>A (p.Ala416Thr) results in a non-conservative amino acid change located in the Paired-box protein 2 C-terminal domain (IPR022130) of the encoded protein sequence. Three of five in-silico tools predict a benign effect of the variant on protein function. The variant allele was found at a frequency of 1.2e-05 in 248190 control chromosomes. The available data on variant occurrences in the general population are insufficient to allow any conclusion about variant significance. To our knowledge, no occurrence of c.1246G>A in individuals affected with Hypothyroidism, Congenital, Nongoitrous, 2 and no experimental evidence demonstrating its impact on protein function have been reported. No submitters have cited clinical-significance assessments for this variant to ClinVar. Based on the evidence outlined above, the variant was classified as uncertain significance.

NM_003466.4(PAX8):c.1246G>A (p.Ala416Thr)

Gene: PAX8 (paired box 8; minus strand). Cytogenetic location: 2q14.1.
Variant type: single nucleotide variant.
Coding change: c.1246G>A on transcript NM_003466.4 (MANE Select); coding-DNA position 1246, G replaced by A.
Protein change: p.Ala416Thr; replaces alanine 416 with threonine.
Molecular consequence: missense variant. On other transcripts: synonymous variant (3).
Genome position (GRCh38, 1-based): chr2:113,220,122, C>T on the plus strand (G>A on the coding strand, the complement: PAX8 is on the minus strand). VCF-style: chr2-113220122-C-T. GRCh37 (hg19) VCF-style: chr2-113977699-C-T.
Other names: c.1167G>A, p.Arg389= (NM_013952.4); c.936G>A, p.Arg312= (NM_013953.4); c.834G>A, p.Arg278= (NM_013992.4); short protein forms A416T.
Identifiers: ClinVar variation 3375284 (VCV003375284.1).